The following is an entry in ClinVar:

ClinVar aggregate classification (germline): Pathogenic. Review status: criteria provided, multiple submitters, no conflicts (2 of 4 stars). 9 submissions from 9 submitters: Pathogenic (9). Last evaluated 2024-11-01.

Conditions:
Coffin-Siris syndrome 1 (CSS1). Also called: Mental retardation, autosomal dominant 12; ARID1B-Related Coffin-Siris Syndrome. Identifiers: Orphanet 1465, MedGen C3281201, MONDO:0007617, OMIM 135900. Disease mechanism: gain of function.
ARID1B-Related Disorder. Identifiers: MedGen CN381337.
Inborn genetic diseases. Identifiers: MedGen C0950123, MeSH D030342.

Submissions (9):

CeGaT Center for Human Genetics Tuebingen
Classification: Pathogenic. Last evaluated: 2024-11-01. Review status: criteria provided, single submitter. Criteria: CeGaT Center For Human Genetics Tuebingen Variant Classification Criteria Version 2. Collection method: clinical testing. Allele origin: germline. Affected: yes. Observed: 1 variant allele.
Comment: ARID1B: PS2:Very Strong, PVS1, PM2, PS4:Moderate

Dasa
Classification: Pathogenic. Last evaluated: 2024-09-27. Review status: criteria provided, single submitter. Criteria: DASA Assertion Criteria. Collection method: clinical testing. Allele origin: germline.
Comment: NM_001374828.1(ARID1B):c.4378C>T (p.Arg1460*) introduces a premature termination codon predicted to result in loss of normal protein function. Loss-of-function is an established mechanism of disease for this gene. This variant has been reported in individuals with related phenotype. De novo occurrence has been reported in an individual with related phenotype. The variant is present at low frequency in population datasets. Based on the available data, this variant is classified as pathogenic.

Duke University Health System Sequencing Clinic, Duke University Health System
Classification: Pathogenic for Coffin-Siris syndrome 1. Last evaluated: 2023-04-20. Review status: criteria provided, single submitter. Criteria: ACMG Guidelines, 2015. Collection method: research. Allele origin: de novo. Affected: yes.

Laboratoire de Génétique Moléculaire, CHU Bordeaux
Classification: Pathogenic for Coffin-Siris syndrome 1. Last evaluated: 2022-11-24. Review status: criteria provided, single submitter. Criteria: ACMG Guidelines, 2015. Collection method: clinical testing. Allele origin: germline. Affected: yes.

GeneDx
Classification: Pathogenic. Last evaluated: 2022-04-01. Review status: criteria provided, single submitter. Criteria: GeneDx Variant Classification Process June 2021. Collection method: clinical testing. Allele origin: germline. Affected: yes.
Comment: Nonsense variant predicted to result in protein truncation or nonsense mediated decay in a gene for which loss-of-function is a known mechanism of disease; Not observed at significant frequency in large population cohorts (gnomAD); This variant is associated with the following publications: (PMID: 23929686, 30349098, 31981491, 33619735, 32565546)

Blueprint Genetics
Classification: Pathogenic for ARID1B-related disorders. Last evaluated: 2022-03-25. Review status: criteria provided, single submitter. Criteria: ACMG Guidelines, 2015. Collection method: clinical testing. Allele origin: de novo. Affected: yes. Observed: 1 variant allele.

Genome-Nilou Lab
Classification: Pathogenic for Coffin-Siris syndrome 1. Last evaluated: 2021-07-15. Review status: criteria provided, single submitter. Criteria: ACMG Guidelines, 2015. Collection method: clinical testing. Allele origin: germline. Affected: no.

Institute of Human Genetics Munich, TUM University Hospital
Classification: Pathogenic for Coffin-Siris syndrome 1. Last evaluated: 2017-09-08. Review status: criteria provided, single submitter. Criteria: Classification criteria August 2017. Collection method: clinical testing. Allele origin: de novo. Inheritance: Autosomal dominant inheritance. Affected: yes. Observed: 1 heterozygote.

Ambry Genetics
Classification: Pathogenic for Inborn genetic diseases. Last evaluated: 2016-07-01. Review status: criteria provided, single submitter. Criteria: Ambry exome assertion method (8-5-2015). Collection method: clinical testing. Allele origin: germline. Affected: yes. Observed: 1 variant allele.

Literature cited by the submitters: PubMed 23929686 (cited by Ambry Genetics).

NM_001374828.1(ARID1B):c.4378C>T (p.Arg1460Ter)

Gene: ARID1B (AT-rich interaction domain 1B; plus strand). Cytogenetic location: 6q25.3.
Variant type: single nucleotide variant.
Coding change: c.4378C>T on transcript NM_001374828.1 (MANE Select); coding-DNA position 4378, C replaced by T.
Protein change: p.Arg1460Ter; replaces arginine 1460 with a stop codon.
Molecular consequence: nonsense.
Genome position (GRCh38, 1-based): chr6:157,196,311, C>T. VCF-style: chr6-157196311-C-T. GRCh37 (hg19) VCF-style: chr6-157517445-C-T.
Other names: c.4009C>T, p.Arg1337Ter (NM_020732.3); c.1879C>T, p.Arg627Ter (NM_001363725.2); c.4258C>T, p.Arg1420Ter (NM_001371656.1, NM_001374820.1); c.4219C>T, p.Arg1407Ter (NM_017519.3); short protein forms R1337*, R627*, R1407*, R1420*, R1460*.
Identifiers: ClinVar variation 488469 (VCV000488469.30), dbSNP rs773740590, ClinGen allele CA366238872.